The following is an entry in ClinVar:

NM_016360.4(TACO1):c.609A>C (p.Leu203=)

Gene: TACO1 (translational activator of cytochrome c oxidase I; plus strand). Cytogenetic location: 17q23.3.
Variant type: single nucleotide variant.
Coding change: c.609A>C on transcript NM_016360.4 (MANE Select); coding-DNA position 609, A replaced by C.
Protein change: p.Leu203=; no amino-acid change (leucine 203 retained).
Molecular consequence: synonymous variant.
Genome position (GRCh38, 1-based): chr17:63,607,380, A>C. VCF-style: chr17-63607380-A-C. GRCh37 (hg19) VCF-style: chr17-61684740-A-C.
Identifiers: ClinVar variation 381822 (VCV000381822.1), dbSNP rs893825681, ClinGen allele CA16607426.
Genomic context (GRCh38, chr17:63,607,380, plus strand): 5'-TGACAAAAAGGGGGTGATTGTGGTTGAAGTGGAGGACAGAGAGAAGAAGGCTGTGAACCT[A>C]GAGCGTGCCCTGGAGATGGCAATCGAAGCAGGAGCTGAGGATGTCAAGGAAACTGAAGAT-3'
Protein context (NP_057444.2, residues 193-213): VEDREKKAVN[Leu203=]ERALEMAIEA

ClinVar aggregate classification (germline): Likely benign (1 of 4 stars; one submission).

gnomAD v4.1: 4 of 1,614,224 alleles (0.00025%); highest among the groups gnomAD compares: Non-Finnish European, 0.00034%; no homozygotes.

Submission:

GeneDx
Classification: Likely benign. Last evaluated: 2015-12-17. Review status: criteria provided, single submitter. Criteria: GeneDx Variant Classification (06012015). Collection method: clinical testing. Allele origin: germline. Affected: yes.
Comment: This variant is considered likely benign or benign based on one or more of the following criteria: it is a conservative change, it occurs at a poorly conserved position in the protein, it is predicted to be benign by multiple in silico algorithms, and/or has population frequency not consistent with disease.